The following is an entry in ClinVar:

NC_000015.9:g.(?_28196910)_(28211988_?)del

Gene: OCA2 (OCA2 melanosomal transmembrane protein; minus strand). Cytogenetic location: 15q13.1.
Variant type: Deletion.
Identifiers: ClinVar variation 3243839 (VCV003243839.1).

ClinVar aggregate classification (germline): Pathogenic (1 of 4 stars; one submission).

Submission:

Labcorp Genetics (formerly Invitae), Labcorp
Classification: Pathogenic. Last evaluated: 2024-01-09. Review status: criteria provided, single submitter. Criteria: Invitae Variant Classification Sherloc (09022015). Collection method: clinical testing. Allele origin: unknown.
Comment: This variant is a gross deletion of the genomic region encompassing exon(s) 15-18 of the OCA2 gene. This deletion is out-of-frame, and is expected to create a premature termination codon and result in an absent or disrupted protein product. Loss-of-function variants in OCA2 are known to be pathogenic (PMID: 19865097, 21541274). This variant has not been reported in the literature in individuals affected with OCA2-related conditions. For these reasons, this variant has been classified as Pathogenic.

Literature cited by the submitters: PubMed 19865097; PubMed 21541274.